The following is an entry in ClinVar:

ClinVar aggregate classification (germline): Uncertain significance (1 of 4 stars; one submission).

Allele frequency attached by ClinVar (database versions not stated): gnomAD exomes below 0.00001.

Submission:

Labcorp Genetics (formerly Invitae), Labcorp
Classification: Uncertain significance. Last evaluated: 2022-06-12. Review status: criteria provided, single submitter. Criteria: Invitae Variant Classification Sherloc (09022015). Collection method: clinical testing. Allele origin: germline.
Comment: In summary, the available evidence is currently insufficient to determine the role of this variant in disease. Therefore, it has been classified as a Variant of Uncertain Significance. Algorithms developed to predict the effect of missense changes on protein structure and function are either unavailable or do not agree on the potential impact of this missense change (SIFT: "Deleterious"; PolyPhen-2: "Benign"; Align-GVGD: "Class C0"). This variant has not been reported in the literature in individuals affected with VCAN-related conditions. This variant is not present in population databases (gnomAD no frequency). This sequence change replaces glutamine, which is neutral and polar, with glutamic acid, which is acidic and polar, at codon 2748 of the VCAN protein (p.Gln2748Glu).

NM_004385.5(VCAN):c.8242C>G (p.Gln2748Glu)

Genes: VCAN (versican; plus strand), VCAN-AS1 (VCAN antisense RNA 1; minus strand). Cytogenetic location: 5q14.3.
Variant type: single nucleotide variant.
Coding change: c.8242C>G on transcript NM_004385.5 (MANE Select); coding-DNA position 8242, C replaced by G.
Protein change: p.Gln2748Glu; replaces glutamine 2748 with glutamic acid.
Molecular consequence: missense variant. On other transcripts: intron variant (2).
Genome position (GRCh38, 1-based): chr5:83,541,245, C>G. VCF-style: chr5-83541245-C-G. GRCh37 (hg19) VCF-style: chr5-82837064-C-G.
Other names: c.5281C>G, p.Gln1761Glu (NM_001164097.2); c.4004-4292C>G (NM_001164098.2); c.1043-4292C>G (NM_001126336.3); short protein forms Q1761E, Q2748E.
Identifiers: ClinVar variation 2111896 (VCV002111896.4), dbSNP rs2112449359, ClinGen allele CA360316489.